The following is an entry in ClinVar:

NM_001037333.3(CYFIP2):c.666+8C>T

Gene: CYFIP2 (cytoplasmic FMR1 interacting protein 2; plus strand). Cytogenetic location: 5q33.3.
Variant type: single nucleotide variant.
Coding change: c.666+8C>T on transcript NM_001037333.3 (MANE Select); 8 bases into the intron after coding-DNA position 666, C replaced by T.
Molecular consequence: intron variant.
Genome position (GRCh38, 1-based): chr5:157,302,898, C>T. VCF-style: chr5-157302898-C-T. GRCh37 (hg19) VCF-style: chr5-156729906-C-T.
Other names: c.666+8C>T (NM_001291722.2, NM_014376.4); c.588+8C>T (NM_001291721.2).
Identifiers: ClinVar variation 1170365 (VCV001170365.34), dbSNP rs370131961, ClinGen allele CA3533401.

ClinVar aggregate classification (germline): Benign/Likely benign. Review status: criteria provided, multiple submitters, no conflicts (2 of 4 stars). 3 submissions from 3 submitters: Benign (2); Likely benign (1). Last evaluated 2026-02-02.

Allele frequency attached by ClinVar (database versions not stated): ExAC 0.00044; TOPMed 0.00044; ESP Exome Variant Server 0.00071.
gnomAD v4.1: 869 of 1,565,388 alleles (0.056%); highest among the groups gnomAD compares: Non-Finnish European, 0.071%; no homozygotes.

Submissions (3):

Labcorp Genetics (formerly Invitae), Labcorp
Classification: Benign. Last evaluated: 2026-02-02. Review status: criteria provided, single submitter. Criteria: Invitae Variant Classification Sherloc (09022015). Collection method: clinical testing. Allele origin: germline.

Blueprint Genetics
Classification: Likely benign. Last evaluated: 2024-11-25. Review status: criteria provided, single submitter. Criteria: ACMG Guidelines, 2015. Collection method: clinical testing. Allele origin: germline.

CeGaT Center for Human Genetics Tuebingen
Classification: Benign. Last evaluated: 2022-08-01. Review status: criteria provided, single submitter. Criteria: CeGaT Center For Human Genetics Tuebingen Variant Classification Criteria Version 2. Collection method: clinical testing. Allele origin: germline. Affected: yes. Observed: 1 variant allele.
Comment: CYFIP2: BP4, BS1, BS2